The following is an entry in ClinVar:

NM_014014.5(SNRNP200):c.3315A>G (p.Ala1105=)

Gene: SNRNP200 (small nuclear ribonucleoprotein U5 subunit 200; minus strand). Cytogenetic location: 2q11.2.
Variant type: single nucleotide variant.
Coding change: c.3315A>G on transcript NM_014014.5 (MANE Select); coding-DNA position 3315, A replaced by G.
Protein change: p.Ala1105=; no amino-acid change (alanine 1105 retained).
Molecular consequence: synonymous variant.
Genome position (GRCh38, 1-based): chr2:96,287,913, T>C on the plus strand (A>G on the coding strand, the complement: SNRNP200 is on the minus strand). VCF-style: chr2-96287913-T-C. GRCh37 (hg19) VCF-style: chr2-96953651-T-C.
Identifiers: ClinVar variation 774164 (VCV000774164.35), dbSNP rs151063400, ClinGen allele CA1778485.

ClinVar aggregate classification (germline): Benign/Likely benign. Review status: criteria provided, multiple submitters, no conflicts (2 of 4 stars). 8 submissions from 8 submitters: Benign (2); Likely benign (4). 2 of the submissions do not count toward it. Last evaluated 2026-01-26.

Conditions:
Retinitis pigmentosa 33 (RP33). Identifiers: Orphanet 791, MedGen C1835895, MONDO:0012477, OMIM 610359.
Retinitis pigmentosa (RP). Identifiers: Orphanet 791, MedGen C0035334, MeSH D012174, MONDO:0019200, OMIM 268000. Inheritance: Autosomal dominant, autosomal recessive and X linked inheritance.

Allele frequency attached by ClinVar (database versions not stated): 1000 Genomes Project 30x 0.00031; 1000 Genomes Project 0.00040; ESP Exome Variant Server 0.00115; ExAC 0.00143; gnomAD 0.00159 and 0.00165; gnomAD exomes 0.00162 and 0.00204; TOPMed 0.00164.
gnomAD v4.1: 3,196 of 1,614,242 alleles (0.2%); highest among the groups gnomAD compares: Non-Finnish European, 0.24%; 2 homozygotes.

Submissions (8):

Labcorp Genetics (formerly Invitae), Labcorp
Classification: Benign. Last evaluated: 2026-01-26. Review status: criteria provided, single submitter. Criteria: Invitae Variant Classification Sherloc (09022015). Collection method: clinical testing. Allele origin: germline.

CeGaT Center for Human Genetics Tuebingen
Classification: Likely benign. Last evaluated: 2025-03-01. Review status: criteria provided, single submitter. Criteria: CeGaT Center For Human Genetics Tuebingen Variant Classification Criteria Version 2. Collection method: clinical testing. Allele origin: germline. Affected: yes. Observed: 1 variant allele.
Comment: SNRNP200: BP4, BP7, BS1

Blueprint Genetics
Classification: Likely benign. Last evaluated: 2024-11-18. Review status: criteria provided, single submitter. Criteria: ACMG Guidelines, 2015. Collection method: clinical testing. Allele origin: germline.

ARUP Laboratories, Molecular Genetics and Genomics, ARUP Laboratories
Classification: Benign for Retinitis pigmentosa 33. Last evaluated: 2023-11-22. Review status: criteria provided, single submitter. Criteria: ARUP Molecular Germline Variant Investigation Process 2024. Collection method: clinical testing. Allele origin: germline.

Illumina Laboratory Services, Illumina
Classification: Likely benign for Retinitis pigmentosa. Last evaluated: 2018-01-13. Review status: criteria provided, single submitter. Criteria: ICSL Variant Classification Criteria 13 December 2019. Collection method: clinical testing. Allele origin: germline.
Comment: This variant was observed in the ICSL laboratory as part of a predisposition screen in an ostensibly healthy population. It had not been previously curated by ICSL or reported in the Human Gene Mutation Database (HGMD: prior to June 1st, 2018), and was therefore a candidate for classification through an automated scoring system. Utilizing variant allele frequency, disease prevalence and penetrance estimates, and inheritance mode, an automated score was calculated to assess if this variant is too frequent to cause the disease. Based on the score and internal cut-off values, a variant classified as likely benign is not then subjected to further curation. The score for this variant resulted in a classification of likely benign for this disease.

Breakthrough Genomics
Classification: Likely benign. Review status: criteria provided, single submitter. Criteria: ACMG Guidelines, 2015. Collection method: not provided. Allele origin: germline. Inheritance: Unknown mechanism. Affected: yes.

Clinical Genetics DNA and cytogenetics Diagnostics Lab, Erasmus MC, Erasmus Medical Center
Classification: Likely benign. Review status: no assertion criteria provided. Collection method: clinical testing. Allele origin: germline. Affected: yes. Study: VKGL Data-share Consensus. Not counted in ClinVar's aggregate classification.

Clinical Genetics, Academic Medical Center
Classification: Likely benign. Review status: no assertion criteria provided. Collection method: clinical testing. Allele origin: germline. Affected: yes. Study: VKGL Data-share Consensus. Not counted in ClinVar's aggregate classification.